The following is an entry in ClinVar:

NM_000191.3(HMGCL):c.629C>T (p.Thr210Ile)

Gene: HMGCL (3-hydroxy-3-methylglutaryl-CoA lyase; minus strand). Cytogenetic location: 1p36.11.
Variant type: single nucleotide variant.
Coding change: c.629C>T on transcript NM_000191.3 (MANE Select); coding-DNA position 629, C replaced by T.
Protein change: p.Thr210Ile; replaces threonine 210 with isoleucine.
Molecular consequence: missense variant.
Genome position (GRCh38, 1-based): chr1:23,808,256, G>A on the plus strand (C>T on the coding strand, the complement: HMGCL is on the minus strand). VCF-style: chr1-23808256-G-A. GRCh37 (hg19) VCF-style: chr1-24134746-G-A.
Other names: c.416C>T, p.Thr139Ile (NM_001166059.2); short protein forms T210I, T139I.
Identifiers: ClinVar variation 666064 (VCV000666064.8), dbSNP rs1570645382, ClinGen allele CA339024181.

ClinVar aggregate classification (germline): Uncertain significance (1 of 4 stars; one submission).

Conditions:
Deficiency of hydroxymethylglutaryl-CoA lyase (HMGCLD). Also called: HMG-CoA LYASE DEFICIENCY; HMGCL DEFICIENCY; HYDROXYMETHYLGLUTARIC ACIDURIA; Defect in leucine metabolism; 3-hydroxy-3-methylglutaric aciduria. Identifiers: Orphanet 20, MedGen C1533587, MONDO:0009520, OMIM 246450.

Allele frequency attached by ClinVar (database versions not stated): gnomAD exomes below 0.00001.
gnomAD v4.1: 2 of 1,614,010 alleles (0.00012%); highest among the groups gnomAD compares: East Asian, 0.0022%; no homozygotes.

Submission:

Labcorp Genetics (formerly Invitae), Labcorp
Classification: Uncertain significance for Deficiency of hydroxymethylglutaryl-CoA lyase. Last evaluated: 2018-11-30. Review status: criteria provided, single submitter. Criteria: Invitae Variant Classification Sherloc (09022015). Collection method: clinical testing. Allele origin: germline.
Comment: This sequence change replaces threonine with isoleucine at codon 210 of the HMGCL protein (p.Thr210Ile). The threonine residue is highly conserved and there is a moderate physicochemical difference between threonine and isoleucine. This variant is not present in population databases (ExAC no frequency). Algorithms developed to predict the effect of missense changes on protein structure and function (SIFT, PolyPhen-2, Align-GVGD) all suggest that this variant is likely to be disruptive, but these predictions have not been confirmed by published functional studies and their clinical significance is uncertain. In summary, the available evidence is currently insufficient to determine the role of this variant in disease. Therefore, it has been classified as a Variant of Uncertain Significance.